The following is an entry in ClinVar:

ClinVar aggregate classification (germline): Uncertain significance (1 of 4 stars; one submission).

Conditions:
Congenital myotonia, autosomal dominant form (THD). Also called: THOMSEN DISEASE; Myotonia congenita autosomal dominant. Identifiers: Orphanet 614, MedGen C2936781, MONDO:0008055, OMIM 160800.
Congenital myotonia, autosomal recessive form. Also called: Becker Generalized Myotonia; myotonia congenita, autosomal recessive; BECKER DISEASE. Identifiers: Orphanet 614, MedGen C0751360, MONDO:0009715, OMIM 255700.

Submission:

Labcorp Genetics (formerly Invitae), Labcorp
Classification: Uncertain significance for Congenital myotonia, autosomal recessive form; Congenital myotonia, autosomal dominant form. Last evaluated: 2024-10-21. Review status: criteria provided, single submitter. Criteria: Invitae Variant Classification Sherloc (09022015). Collection method: clinical testing. Allele origin: germline.
Comment: This sequence change replaces methionine, which is neutral and non-polar, with isoleucine, which is neutral and non-polar, at codon 410 of the CLCN1 protein (p.Met410Ile). This variant is not present in population databases (gnomAD no frequency). This variant has not been reported in the literature in individuals affected with CLCN1-related conditions. An algorithm developed to predict the effect of missense changes on protein structure and function outputs the following: PolyPhen-2: "Benign". The isoleucine amino acid residue is found in multiple mammalian species, which suggests that this missense change does not adversely affect protein function. In summary, the available evidence is currently insufficient to determine the role of this variant in disease. Therefore, it has been classified as a Variant of Uncertain Significance.

NM_000083.3(CLCN1):c.1230G>A (p.Met410Ile)

Gene: CLCN1 (chloride voltage-gated channel 1; plus strand). Cytogenetic location: 7q34.
Variant type: single nucleotide variant.
Coding change: c.1230G>A on transcript NM_000083.3 (MANE Select); coding-DNA position 1230, G replaced by A.
Protein change: p.Met410Ile; replaces methionine 410 with isoleucine.
Molecular consequence: missense variant. On other transcripts: non-coding transcript variant (1).
Genome position (GRCh38, 1-based): chr7:143,332,482, G>A. VCF-style: chr7-143332482-G-A. GRCh37 (hg19) VCF-style: chr7-143029575-G-A.
Other names: short protein forms M410I.
Identifiers: ClinVar variation 3750188 (VCV003750188.2).